The following is an entry in ClinVar:

NM_007294.4(BRCA1):c.5114_5121del (p.Leu1705fs)

Gene: BRCA1 (BRCA1 DNA repair associated; minus strand). Cytogenetic location: 17q21.31.
Variant type: Deletion.
Coding change: c.5114_5121del on transcript NM_007294.4 (MANE Select); coding-DNA positions 5114 to 5121, 8 bases deleted (TAGGAATT; older notation c.5114_5121delTAGGAATT).
Protein change: p.Leu1705fs; shifts the reading frame from leucine 1705.
Molecular consequence: frameshift variant. On other transcripts: non-coding transcript variant (1).
Genome position (GRCh38, 1-based): chr17:43,063,905-43,063,912, AATTCCTA deleted on the plus strand (TAGGAATT on the coding strand, the reverse complement: BRCA1 is on the minus strand). VCF-style (leftmost placement, unchanged base first): chr17-43063904-CAATTCCTA-C. GRCh37 (hg19) VCF-style: chr17-41215921-CAATTCCTA-C.
Other names: 5233_5240delTAGGAATT; c.4973_4980delTAGGAATT, p.Leu1658Argfs (NM_001407729.1, NM_001407730.1, NM_001407731.1 and 12 more transcripts); c.4970_4977delTAGGAATT, p.Leu1657Argfs (NM_001407732.1, NM_001407733.1, NM_001407734.1 and 21 more transcripts); c.4967_4974delTAGGAATT, p.Leu1656Argfs (NM_001407838.1, NM_001407839.1, NM_001407841.1 and 12 more transcripts); c.5114_5121delTAGGAATT, p.Leu1705Argfs (NM_001407854.1, NM_007294.3, NM_001407593.1 and 8 more transcripts); c.5111_5118delTAGGAATT, p.Leu1704Argfs (NM_001407858.1, NM_001407859.1, NM_001407860.1 and 17 more transcripts); c.5108_5115delTAGGAATT, p.Leu1703Argfs (NM_001407861.1, NM_001407627.1, NM_001407628.1 and 14 more transcripts); c.4913_4920delTAGGAATT, p.Leu1638Argfs (NM_001407862.1); and 75 more; short protein forms L1658fs, L1705fs, L1726fs, L601fs.
Identifiers: ClinVar variation 266524 (VCV000266524.6), dbSNP rs886040271, ClinGen allele CA10589618.

ClinVar aggregate classification (germline): Pathogenic. Review status: reviewed by expert panel (3 of 4 stars). 2 submissions from 2 submitters: Pathogenic (1). 1 of the submissions does not count toward it. Last evaluated 2016-10-18.

Conditions:
Breast-ovarian cancer, familial, susceptibility to, 1 (BROVCA1). Also called: BRCA1 Hereditary Breast and Ovarian Cancer; OVARIAN CANCER, SUSCEPTIBILITY TO. Identifiers: Orphanet 145, MedGen C2676676, MONDO:0011450, OMIM 604370. Disease mechanism: loss of function.

Submissions (2):

Evidence-based Network for the Interpretation of Germline Mutant Alleles (ENIGMA)
Classification: Pathogenic for Breast-ovarian cancer, familial, susceptibility to, 1. Last evaluated: 2016-10-18. Review status: reviewed by expert panel. Criteria: ENIGMA BRCA1/2 Classification Criteria (2015). Collection method: curation. Allele origin: germline.
Comment: Variant allele predicted to encode a truncated non-functional protein.

Consortium of Investigators of Modifiers of BRCA1/2 (CIMBA), c/o University of Cambridge
Classification: Pathogenic for Breast-ovarian cancer, familial, susceptibility to, 1. Last evaluated: 2015-10-02. Review status: criteria provided, single submitter. Criteria: CIMBA Mutation Classification guidelines May 2016. Collection method: clinical testing. Allele origin: germline. Not counted in ClinVar's aggregate classification.